The following is an entry in ClinVar:

NM_020638.3(FGF23):c.419G>A (p.Arg140Gln)

Gene: FGF23 (fibroblast growth factor 23; minus strand). Cytogenetic location: 12p13.32.
Variant type: single nucleotide variant.
Coding change: c.419G>A on transcript NM_020638.3 (MANE Select); coding-DNA position 419, G replaced by A.
Protein change: p.Arg140Gln; replaces arginine 140 with glutamine.
Molecular consequence: missense variant.
Genome position (GRCh38, 1-based): chr12:4,370,680, C>T on the plus strand (G>A on the coding strand, the complement: FGF23 is on the minus strand). VCF-style: chr12-4370680-C-T. GRCh37 (hg19) VCF-style: chr12-4479846-C-T.
Other names: short protein forms R140Q.
Identifiers: ClinVar variation 3514958 (VCV003514958.3).

ClinVar aggregate classification (germline): Uncertain significance. Review status: criteria provided, multiple submitters, no conflicts (2 of 4 stars). 3 submissions from 3 submitters: Uncertain significance (3). Last evaluated 2026-05-22.

Conditions:
FGF23-related disorder. Also called: FGF23-related condition.
Inborn genetic diseases. Identifiers: MedGen C0950123, MeSH D030342.

Submissions (3):

PreventionGenetics, part of Exact Sciences
Classification: Uncertain significance for FGF23-related condition. Last evaluated: 2026-05-22. Review status: criteria provided, single submitter. Criteria: ACMG Guidelines, 2015. Collection method: clinical testing. Allele origin: germline.
Comment: The FGF23 c.419G>A variant is predicted to result in the amino acid substitution p.Arg140Gln. To our knowledge, this variant has not been reported in the literature. This variant is reported in 0.010% of alleles in individuals of East Asian descent in gnomAD. At this time, the clinical significance of this variant is uncertain due to the absence of conclusive functional and genetic evidence.

Labcorp Genetics (formerly Invitae), Labcorp
Classification: Uncertain significance. Last evaluated: 2025-05-27. Review status: criteria provided, single submitter. Criteria: Invitae Variant Classification Sherloc (09022015). Collection method: clinical testing. Allele origin: germline.
Comment: This sequence change replaces arginine, which is basic and polar, with glutamine, which is neutral and polar, at codon 140 of the FGF23 protein (p.Arg140Gln). This variant is present in population databases (rs766398607, gnomAD 0.01%). This variant has not been reported in the literature in individuals affected with FGF23-related conditions. ClinVar contains an entry for this variant (Variation ID: 3514958). An algorithm developed to predict the effect of missense changes on protein structure and function outputs the following: PolyPhen-2: "Benign". The glutamine amino acid residue is found in multiple mammalian species, which suggests that this missense change does not adversely affect protein function. In summary, the available evidence is currently insufficient to determine the role of this variant in disease. Therefore, it has been classified as a Variant of Uncertain Significance.

Ambry Genetics
Classification: Uncertain significance for Inborn genetic diseases. Last evaluated: 2024-11-26. Review status: criteria provided, single submitter. Criteria: Ambry Variant Classification Scheme 2023. Collection method: clinical testing. Allele origin: germline.